The following is an entry in ClinVar:

ClinVar aggregate classification (germline): Uncertain significance (1 of 4 stars; one submission).

Conditions:
Joubert syndrome. Also called: CEREBELLOPARENCHYMAL DISORDER IV; JOUBERT-BOLTSHAUSER SYNDROME; Familial aplasia of the vermis. Identifiers: Orphanet 475, MedGen C5979921, MONDO:0018772.
Nephronophthisis. Also called: Juvenile Nephronophthisis. Identifiers: Orphanet 655, MedGen C0687120, MONDO:0019005, HP:0000090.
Meckel-Gruber syndrome. Also called: DYSENCEPHALIA SPLANCHNOCYSTICA; GRUBER SYNDROME; Dysencephalia splachnocystica. Identifiers: Orphanet 564, MedGen C0265215, MONDO:0018921.

Submission:

Labcorp Genetics (formerly Invitae), Labcorp
Classification: Uncertain significance for Joubert syndrome; Meckel-Gruber syndrome; Nephronophthisis. Last evaluated: 2021-11-16. Review status: criteria provided, single submitter. Criteria: Invitae Variant Classification Sherloc (09022015). Collection method: clinical testing. Allele origin: germline.
Comment: This sequence change replaces lysine, which is basic and polar, with glutamic acid, which is acidic and polar, at codon 846 of the CEP290 protein (p.Lys846Glu). In summary, the available evidence is currently insufficient to determine the role of this variant in disease. Therefore, it has been classified as a Variant of Uncertain Significance. Algorithms developed to predict the effect of missense changes on protein structure and function are either unavailable or do not agree on the potential impact of this missense change (SIFT: "Tolerated"; PolyPhen-2: "Possibly Damaging"; Align-GVGD: "Class C0"). This variant has not been reported in the literature in individuals affected with CEP290-related conditions. This variant is not present in population databases (gnomAD no frequency).

NM_025114.4(CEP290):c.2536A>G (p.Lys846Glu)

Gene: CEP290 (centrosomal protein 290; minus strand). Cytogenetic location: 12q21.32.
Variant type: single nucleotide variant.
Coding change: c.2536A>G on transcript NM_025114.4 (MANE Select); coding-DNA position 2536, A replaced by G.
Protein change: p.Lys846Glu; replaces lysine 846 with glutamic acid.
Molecular consequence: missense variant.
Genome position (GRCh38, 1-based): chr12:88,107,046, T>C on the plus strand (A>G on the coding strand, the complement: CEP290 is on the minus strand). VCF-style: chr12-88107046-T-C. GRCh37 (hg19) VCF-style: chr12-88500823-T-C.
Other names: short protein forms K846E.
Identifiers: ClinVar variation 1393679 (VCV001393679.6), dbSNP rs2137623175, ClinGen allele CA385971897.